The following is an entry in ClinVar:

ClinVar aggregate classification (germline): Uncertain significance (1 of 4 stars; one submission).

Allele frequency attached by ClinVar (database versions not stated): gnomAD exomes below 0.00001; gnomAD 0.00001.
gnomAD v4.1: 2 of 1,606,446 alleles (0.00012%); highest among the groups gnomAD compares: African/African-American, 0.0027%; no homozygotes.

Submission:

Labcorp Genetics (formerly Invitae), Labcorp
Classification: Uncertain significance. Last evaluated: 2022-08-16. Review status: criteria provided, single submitter. Criteria: Invitae Variant Classification Sherloc (09022015). Collection method: clinical testing. Allele origin: germline.
Comment: This sequence change replaces aspartic acid, which is acidic and polar, with glycine, which is neutral and non-polar, at codon 300 of the POLR1A protein (p.Asp300Gly). This variant is not present in population databases (gnomAD no frequency). This variant has not been reported in the literature in individuals affected with POLR1A-related conditions. ClinVar contains an entry for this variant (Variation ID: 1444277). Algorithms developed to predict the effect of missense changes on protein structure and function are either unavailable or do not agree on the potential impact of this missense change (SIFT: "Not Available"; PolyPhen-2: "Probably Damaging"; Align-GVGD: "Not Available"). In summary, the available evidence is currently insufficient to determine the role of this variant in disease. Therefore, it has been classified as a Variant of Uncertain Significance.

NM_015425.6(POLR1A):c.899A>G (p.Asp300Gly)

Gene: POLR1A (RNA polymerase I subunit A; minus strand). Cytogenetic location: 2p11.2.
Variant type: single nucleotide variant.
Coding change: c.899A>G on transcript NM_015425.6 (MANE Select); coding-DNA position 899, A replaced by G.
Protein change: p.Asp300Gly; replaces aspartic acid 300 with glycine.
Molecular consequence: missense variant.
Genome position (GRCh38, 1-based): chr2:86,081,625, T>C on the plus strand (A>G on the coding strand, the complement: POLR1A is on the minus strand). VCF-style: chr2-86081625-T-C. GRCh37 (hg19) VCF-style: chr2-86308748-T-C.
Other names: short protein forms D300G.
Identifiers: ClinVar variation 1444277 (VCV001444277.8), dbSNP rs1673403104, ClinGen allele CA347553757.
Genomic context (GRCh38, chr2:86,081,625, plus strand): 5'-TTTTTCAGGTGAAATAAGTTAATTAAAGGGTATTACCTTGAGGGCGGCACCACCAAGAAA[T>C]CTAGAAAGAACACACTGGGATTGAATCTGGATTCCATACCATCATCATCCATTCCCGAAA-3'
Protein context (NP_056240.2, residues 290-310): SRFNPSVFFL[Asp300Gly]FLVVPPSRYR